The following is an entry in ClinVar:

NM_001042492.3(NF1):c.7495_7496delinsCT (p.Gly2499Leu)

Gene: NF1 (neurofibromin 1; plus strand). Cytogenetic location: 17q11.2.
Variant type: Indel.
Coding change: c.7495_7496delinsCT on transcript NM_001042492.3 (MANE Select); coding-DNA positions 7495 to 7496, GG replaced by CT.
Protein change: p.Gly2499Leu; replaces glycine 2499 with leucine.
Molecular consequence: missense variant.
Genome position (GRCh38, 1-based): chr17:31,352,294-31,352,295, GG replaced by CT. VCF-style: chr17-31352294-GG-CT. GRCh37 (hg19) VCF-style: chr17-29679312-GG-CT.
Other names: c.7432_7433delGGinsCT (NM_000267.3); c.7432_7433delGGinsCT, p.Gly2478Leu (NM_000267.4); short protein forms G2478L, G2499L.
Identifiers: ClinVar variation 858928 (VCV000858928.8), dbSNP rs2070167904, ClinGen allele CA916080673.

ClinVar aggregate classification (germline): Uncertain significance. Review status: criteria provided, multiple submitters, no conflicts (2 of 4 stars). 2 submissions from 2 submitters: Uncertain significance (2). Last evaluated 2025-11-13.

Conditions:
Neurofibromatosis, type 1 (NF1). Also called: Neurofibromatosis, type I; VON RECKLINGHAUSEN DISEASE; Peripheral type neurofibromatosis; NEUROFIBROMATOSIS, TYPE I, SOMATIC. Identifiers: Orphanet 636, MedGen C0027831, MONDO:0018975, OMIM 162200. Disease mechanism: loss of function.
Hereditary cancer-predisposing syndrome. Also called: Hereditary neoplastic syndrome; Tumor predisposition; Neoplastic Syndromes, Hereditary; Hereditary Cancer Syndrome. Identifiers: Orphanet 140162, MedGen C0027672, MeSH D009386, MONDO:0015356.
Cardiovascular phenotype. Identifiers: MedGen CN230736.

Submissions (2):

Ambry Genetics
Classification: Uncertain significance for Cardiovascular phenotype; Hereditary cancer-predisposing syndrome. Last evaluated: 2025-11-13. Review status: criteria provided, single submitter. Criteria: Ambry Variant Classification Scheme 2023. Collection method: clinical testing. Allele origin: germline.
Comment: The c.7432_7433delGGinsCT variant, located in coding exon 50 of the NF1 gene, results from an in-frame deletion of GG and insertion of CT at nucleotide positions 7432 to 7433. This results in the substitution of the glycine residue for a leucine residue at codon 2478, an amino acid with dissimilar properties. This amino acid position is not well conserved in available vertebrate species. In addition, this alteration is predicted to be neutral by in silico analysis (Choi Y et al. PLoS ONE. 2012; 7(10):e46688). Based on the available evidence, the clinical significance of this variant remains unclear.

Labcorp Genetics (formerly Invitae), Labcorp
Classification: Uncertain significance for Neurofibromatosis, type 1. Last evaluated: 2024-05-06. Review status: criteria provided, single submitter. Criteria: Invitae Variant Classification Sherloc (09022015). Collection method: clinical testing. Allele origin: germline.
Comment: This sequence change replaces glycine, which is neutral and non-polar, with leucine, which is neutral and non-polar, at codon 2478 of the NF1 protein (p.Gly2478Leu). Information on the frequency of this variant in the gnomAD database is not available, as this variant may be reported differently in the database. This variant has not been reported in the literature in individuals affected with NF1-related conditions. ClinVar contains an entry for this variant (Variation ID: 858928). An algorithm developed to predict the effect of missense changes on protein structure and function (PolyPhen-2) suggests that this variant is likely to be tolerated. In summary, the available evidence is currently insufficient to determine the role of this variant in disease. Therefore, it has been classified as a Variant of Uncertain Significance.